The following is an entry in ClinVar:

ClinVar aggregate classification (germline): Uncertain significance (1 of 4 stars; one submission).

Submission:

Clinical Genomics Laboratory, Laboratory for Precision Diagnostics, University of Washington
Classification: Uncertain significance. Last evaluated: 2019-12-06. Review status: criteria provided, single submitter. Criteria: Clinical Cytogenomics Laboratory Policy on CNV Interpretation. Collection method: clinical testing. Allele origin: maternal. Affected: yes. Observed: 1 variant allele.

Literature cited by the submitters: PubMed 31152157; PubMed 20648246; PubMed 22031302.

GRCh37/hg19 14q21.1(chr14:42100553-42446967)x1

Gene: LRFN5 (leucine rich repeat and fibronectin type III domain containing 5; plus strand). Cytogenetic location: 14q21.1.
Variant type: copy number loss.
Change: copy number 1 (one copy instead of two) of chr14:42,100,553-42,446,967 (346.4 kb, GRCh37 coordinates, 1-based), cytogenetic band 14q21.1.
Identifiers: ClinVar variation 929353 (VCV000929353.2).